The following is an entry in ClinVar:

ClinVar aggregate classification (germline): Conflicting classifications of pathogenicity. Review status: criteria provided, conflicting classifications (1 of 4 stars). 2 submissions from 2 submitters: Uncertain significance (1); Likely benign (1). Last evaluated 2026-05-05.

Allele frequency attached by ClinVar (database versions not stated): TOPMed 0.00001; gnomAD exomes 0.00001.
gnomAD v4.1: 22 of 1,610,512 alleles (0.0014%); highest among the groups gnomAD compares: Admixed American, 0.005%; no homozygotes.

Submissions (2):

Women's Health and Genetics/Laboratory Corporation of America, LabCorp
Classification: Likely benign. Last evaluated: 2026-05-05. Review status: criteria provided, single submitter. Criteria: LabCorp Variant Classification Summary - May 2015. Collection method: clinical testing. Allele origin: germline.
Comment: Variant summary: MYH14 c.3814C>T (p.Arg1272Cys) results in a non-conservative amino acid change in the encoded protein sequence. Algorithms developed to predict the effect of missense changes on protein structure and function are either unavailable or do not agree on the potential impact of this missense change. The variant allele was found at a frequency of 1.4e-05 in 1610512 control chromosomes. The observed variant frequency exceeds the estimated maximal expected allele frequency for disease-causing variants in MYH14. To our knowledge, no occurrence of c.3814C>T in individuals affected with MYH14-related conditions and no experimental evidence demonstrating its impact on protein function have been reported. ClinVar contains an entry for this variant (Variation ID: 1488311). Based on the evidence outlined above, the variant was classified as likely benign.

Labcorp Genetics (formerly Invitae), Labcorp
Classification: Uncertain significance. Last evaluated: 2022-07-26. Review status: criteria provided, single submitter. Criteria: Invitae Variant Classification Sherloc (09022015). Collection method: clinical testing. Allele origin: germline.
Comment: In summary, the available evidence is currently insufficient to determine the role of this variant in disease. Therefore, it has been classified as a Variant of Uncertain Significance. Algorithms developed to predict the effect of sequence changes on RNA splicing suggest that this variant may create or strengthen a splice site. Algorithms developed to predict the effect of missense changes on protein structure and function (SIFT, PolyPhen-2, Align-GVGD) all suggest that this variant is likely to be disruptive. ClinVar contains an entry for this variant (Variation ID: 1488311). This variant has not been reported in the literature in individuals affected with MYH14-related conditions. The frequency data for this variant in the population databases is considered unreliable, as metrics indicate poor data quality at this position in the gnomAD database. This sequence change replaces arginine, which is basic and polar, with cysteine, which is neutral and slightly polar, at codon 1272 of the MYH14 protein (p.Arg1272Cys).

NM_001145809.2(MYH14):c.3937C>T (p.Arg1313Cys)

Gene: MYH14 (myosin heavy chain 14; plus strand). Cytogenetic location: 19q13.33.
Variant type: single nucleotide variant.
Coding change: c.3937C>T on transcript NM_001145809.2 (MANE Select); coding-DNA position 3937, C replaced by T.
Protein change: p.Arg1313Cys; replaces arginine 1313 with cysteine.
Molecular consequence: missense variant.
Genome position (GRCh38, 1-based): chr19:50,278,194, C>T. VCF-style: chr19-50278194-C-T. GRCh37 (hg19) VCF-style: chr19-50781451-C-T.
Other names: c.3838C>T, p.Arg1280Cys (NM_001077186.2); c.3814C>T, p.Arg1272Cys (NM_024729.4); short protein forms R1313C, R1272C, R1280C.
Identifiers: ClinVar variation 1488311 (VCV001488311.9), dbSNP rs886854359, ClinGen allele CA309572755.